The following is an entry in ClinVar:

NM_001134407.3(GRIN2A):c.2733C>G (p.Asn911Lys)

Gene: GRIN2A (glutamate ionotropic receptor NMDA type subunit 2A; minus strand). Cytogenetic location: 16p13.2.
Variant type: single nucleotide variant.
Coding change: c.2733C>G on transcript NM_001134407.3 (MANE Select); coding-DNA position 2733, C replaced by G.
Protein change: p.Asn911Lys; replaces asparagine 911 with lysine.
Molecular consequence: missense variant.
Genome position (GRCh38, 1-based): chr16:9,764,811, G>C on the plus strand (C>G on the coding strand, the complement: GRIN2A is on the minus strand). VCF-style: chr16-9764811-G-C. GRCh37 (hg19) VCF-style: chr16-9858668-G-C.
Other names: c.2733C>G, p.Asn911Lys (NM_000833.5, NM_001134408.2); short protein forms N911K.
Identifiers: ClinVar variation 1314340 (VCV001314340.2), dbSNP rs1209627670, ClinGen allele CA394709471.

ClinVar aggregate classification (germline): Uncertain significance (1 of 4 stars; one submission).

Submission:

GeneDx
Classification: Uncertain significance. Last evaluated: 2021-04-05. Review status: criteria provided, single submitter. Criteria: GeneDx Variant Classification Process June 2021. Collection method: clinical testing. Allele origin: germline. Affected: yes.
Comment: Not observed in large population cohorts (Lek et al., 2016); In silico analysis supports that this missense variant does not alter protein structure/function; Has not been previously published as pathogenic or benign to our knowledge